The following is an entry in ClinVar:

NM_001009944.3(PKD1):c.8299C>A (p.Arg2767Ser)

Gene: PKD1 (polycystin 1, transient receptor potential channel interacting; minus strand). Cytogenetic location: 16p13.3.
Variant type: single nucleotide variant.
Coding change: c.8299C>A on transcript NM_001009944.3 (MANE Select); coding-DNA position 8299, C replaced by A.
Protein change: p.Arg2767Ser; replaces arginine 2767 with serine.
Molecular consequence: missense variant.
Genome position (GRCh38, 1-based): chr16:2,103,758, G>T on the plus strand (C>A on the coding strand, the complement: PKD1 is on the minus strand). VCF-style: chr16-2103758-G-T. GRCh37 (hg19) VCF-style: chr16-2153759-G-T.
Other names: c.8299C>A, p.Arg2767Ser (NM_000296.4); short protein forms R2767S.
Identifiers: ClinVar variation 4855808 (VCV004855808.1).

ClinVar aggregate classification (germline): Uncertain significance (1 of 4 stars; one submission).

Conditions:
Polycystic kidney disease, adult type (PKD1). Also called: Polycystic Kidney, Autosomal Dominant; POLYCYSTIC KIDNEY DISEASE, ADULT, TYPE I; Polycystic Kidney Disease 1, Autosomal Dominant; Polycystic kidney disease 1; Polycystic kidney disease 1, severe; POLYCYSTIC KIDNEY DISEASE 1 WITH OR WITHOUT POLYCYSTIC LIVER DISEASE. Identifiers: MedGen C3149841, MONDO:0008263, OMIM 173900.

Submission:

3billion
Classification: Uncertain significance for Polycystic kidney disease, adult type. Last evaluated: 2025-12-17. Review status: criteria provided, single submitter. Criteria: ACMG Guidelines, 2015. Collection method: clinical testing. Allele origin: germline. Affected: yes.
Comment: The variant is not observed in the gnomAD v4.1.0 dataset. Predicted Consequence/Location: Missense variant In silico tool predictions suggest damaging effect of the variant on gene or gene product [3Cnet: 0.86 (> 0.75, sensitivity 0.96 and precision 0.92)]. Different missense changes at the same codon (p.Arg2767Cys, p.Arg2767Gly, p.Arg2767His, p.Arg2767Leu, p.Arg2767Pro) have been reported as pathogenic/likely pathogenic with strong evidence (ClinVar ID: VCV000871751, VCV001256450, VCV002501563 /PMID: 17574468, 22508176, 29801666, 35778421, 37509056). Therefore, this variant is classified as VUS according to the recommendation of ACMG/AMP guideline.

Literature cited by the submitters: PubMed 17574468.